The following is an entry in ClinVar:

ClinVar aggregate classification (germline): Uncertain significance (1 of 4 stars; one submission).

Allele frequency attached by ClinVar (database versions not stated): gnomAD 0.00001; gnomAD exomes 0.00001; TOPMed 0.00001.
gnomAD v4.1: 4 of 1,613,790 alleles (0.00025%); highest among the groups gnomAD compares: African/African-American, 0.0027%; no homozygotes.

Submission:

Labcorp Genetics (formerly Invitae), Labcorp
Classification: Uncertain significance. Last evaluated: 2023-07-07. Review status: criteria provided, single submitter. Criteria: Invitae Variant Classification Sherloc (09022015). Collection method: clinical testing. Allele origin: germline.
Comment: This sequence change replaces arginine, which is basic and polar, with cysteine, which is neutral and slightly polar, at codon 1507 of the C3 protein (p.Arg1507Cys). This variant is not present in population databases (gnomAD no frequency). This variant has not been reported in the literature in individuals affected with C3-related conditions. Advanced modeling of protein sequence and biophysical properties (such as structural, functional, and spatial information, amino acid conservation, physicochemical variation, residue mobility, and thermodynamic stability) performed at Invitae indicates that this missense variant is not expected to disrupt C3 protein function. In summary, the available evidence is currently insufficient to determine the role of this variant in disease. Therefore, it has been classified as a Variant of Uncertain Significance.

NM_000064.4(C3):c.4519C>T (p.Arg1507Cys)

Gene: C3 (complement C3; minus strand). Cytogenetic location: 19p13.3.
Variant type: single nucleotide variant.
Coding change: c.4519C>T on transcript NM_000064.4 (MANE Select); coding-DNA position 4519, C replaced by T.
Protein change: p.Arg1507Cys; replaces arginine 1507 with cysteine.
Molecular consequence: missense variant.
Genome position (GRCh38, 1-based): chr19:6,679,434, G>A on the plus strand (C>T on the coding strand, the complement: C3 is on the minus strand). VCF-style: chr19-6679434-G-A. GRCh37 (hg19) VCF-style: chr19-6679445-G-A.
Other names: short protein forms R1507C.
Identifiers: ClinVar variation 3015041 (VCV003015041.3), dbSNP rs1455241589, ClinGen allele CA403612698.